The following is an entry in ClinVar:

NM_007294.4(BRCA1):c.5559C>G (p.Tyr1853Ter)

Gene: BRCA1 (BRCA1 DNA repair associated; minus strand). Cytogenetic location: 17q21.31.
Variant type: single nucleotide variant.
Coding change: c.5559C>G on transcript NM_007294.4 (MANE Select); coding-DNA position 5559, C replaced by G.
Protein change: p.Tyr1853Ter; replaces tyrosine 1853 with a stop codon.
Molecular consequence: nonsense. On other transcripts: 3 prime UTR variant (1), non-coding transcript variant (1).
Genome position (GRCh38, 1-based): chr17:43,045,711, G>C on the plus strand (C>G on the coding strand, the complement: BRCA1 is on the minus strand). VCF-style: chr17-43045711-G-C. GRCh37 (hg19) VCF-style: chr17-41197728-G-C.
Other names: c.5556C>G, p.Tyr1852Ter (NM_001407618.1, NM_001407619.1, NM_001407620.1 and 14 more transcripts); c.5553C>G, p.Tyr1851Ter (NM_001407627.1, NM_001407637.1, NM_001407638.1 and 13 more transcripts); c.5550C>G, p.Tyr1850Ter (NM_001407644.1, NM_001407645.1); c.5547C>G, p.Tyr1849Ter (NM_001407646.1); c.5544C>G, p.Tyr1848Ter (NM_001407647.1); c.5475C>G, p.Tyr1825Ter (NM_001407659.1, NM_001407660.1, NM_001407661.1 and 2 more transcripts); c.5436C>G, p.Tyr1812Ter (NM_001407664.1, NM_001407665.1, NM_001407666.1 and 3 more transcripts); c.5433C>G, p.Tyr1811Ter (NM_001407678.1, NM_001407679.1, NM_001407680.1 and 8 more transcripts); and 74 more; short protein forms Y1853*, Y749*, Y1874*, Y1806*, Y1556*, Y1741*, Y1763*, Y1764*.
Identifiers: ClinVar variation 55630 (VCV000055630.8), dbSNP rs80357336, ClinGen allele CA003716.
Genomic context (GRCh38, chr17:43,045,711, plus strand): 5'-TGGCTCTGTACCTGTGGCTGGCTGCAGTCAGTAGTGGCTGTGGGGGATCTGGGGTATCAG[G>C]TAGGTGTCCAGCTCCTGGCACTGGTAGAGTGCTACACTGTCCAACACCCACTCTCGGGTC-3'

ClinVar aggregate classification (germline): Pathogenic. Review status: reviewed by expert panel (3 of 4 stars). 4 submissions from 4 submitters: Pathogenic (1). 3 of the submissions do not count toward it. Last evaluated 2017-12-15.

Conditions:
Hereditary cancer-predisposing syndrome. Also called: Hereditary Cancer Syndrome; Hereditary neoplastic syndrome; Neoplastic Syndromes, Hereditary; Tumor predisposition. Identifiers: Orphanet 140162, MedGen C0027672, MeSH D009386, MONDO:0015356.
Breast-ovarian cancer, familial, susceptibility to, 1 (BROVCA1). Also called: BRCA1 Hereditary Breast and Ovarian Cancer; OVARIAN CANCER, SUSCEPTIBILITY TO. Identifiers: Orphanet 145, MedGen C2676676, MONDO:0011450, OMIM 604370. Disease mechanism: loss of function.
Hereditary breast ovarian cancer syndrome. Also called: BRCA1- and BRCA2-Associated Hereditary Breast and Ovarian Cancer; Hereditary breast and ovarian cancer syndrome; Hereditary breast and ovarian cancer syndrome (HBOC); Breast and ovarian cancer; Hereditary breast and/or ovarian cancer syndrome; Hereditary breast and ovarian cancer. Identifiers: Orphanet 145, MedGen C0677776, MeSH D061325, MONDO:0003582. Disease mechanism: loss of function.
Familial cancer of breast. Also called: hereditary breast carcinoma; BREAST CANCER, FAMILIAL; Hereditary breast cancer. Identifiers: Orphanet 227535, MedGen C0346153, MONDO:0016419, OMIM 114480. Disease mechanism: loss of function.

Submissions (5):

Evidence-based Network for the Interpretation of Germline Mutant Alleles (ENIGMA)
Classification: Pathogenic for Breast-ovarian cancer, familial, susceptibility to, 1. Last evaluated: 2017-12-15. Review status: reviewed by expert panel. Criteria: ENIGMA BRCA1/2 Classification Criteria (2017-06-29). Collection method: curation. Allele origin: germline. Study: ENIGMA.
Comment: Variant allele predicted to encode a truncated non-functional protein.

Ambry Genetics
Classification: Pathogenic for Hereditary cancer-predisposing syndrome. Last evaluated: 2024-09-14. Review status: criteria provided, single submitter. Criteria: Ambry Variant Classification Scheme 2023. Collection method: clinical testing. Allele origin: germline. Not counted in ClinVar's aggregate classification.
Comment: The p.Y1853* variant (also known as c.5559C>G), located in coding exon 22 of the BRCA1 gene, results from a C to G substitution at nucleotide position 5559. This changes the amino acid from a tyrosine to a stop codon within coding exon 22. This alteration occurs at the 3' terminus of theBRCA1 gene, is not expected to trigger nonsense-mediated mRNA decay, and only impacts the last 11 amino acids of the protein. However, premature stop codons are typically deleterious in nature and the impacted region is critical for protein function (Ambry internal data). In multiple assays testing BRCA1 function, this variant showed functionally abnormal results (Dizin E et al. J Biol Chem, 2006 Aug;281:24236-46; Carvalho RS et al. PLoS One, 2014 May;9:e97766), including one that found that this nucleotide substitution is non-functional in a high throughput genome editing haploid cell survival assay (Findlay GM et al. Nature, 2018 Oct;562:217-222). This variant is considered to be rare based on population cohorts in the Genome Aggregation Database (gnomAD). Based on the supporting evidence, this alteration is interpreted as a disease-causing mutation.

Labcorp Genetics (formerly Invitae), Labcorp
Classification: Pathogenic for Hereditary breast ovarian cancer syndrome. Last evaluated: 2024-05-14. Review status: criteria provided, single submitter. Criteria: Invitae Variant Classification Sherloc (09022015). Collection method: clinical testing. Allele origin: germline. Not counted in ClinVar's aggregate classification.
Comment: This sequence change creates a premature translational stop signal (p.Tyr1853*) in the BRCA1 gene. While this is not anticipated to result in nonsense mediated decay, it is expected to disrupt the last 11 amino acid(s) of the BRCA1 protein. This variant is not present in population databases (gnomAD no frequency). This premature translational stop signal has been observed in individual(s) with breast and/or ovarian cancer (PMID: 7894493, 20104584, 24504028). It has also been observed to segregate with disease in related individuals. ClinVar contains an entry for this variant (Variation ID: 55630). Algorithms developed to predict the effect of variants on gene product structure and function are not available or were not evaluated for this variant. Experimental studies have shown that this premature translational stop signal affects BRCA1 function (PMID: 10811118, 11739404, 12400015, 21922593). For these reasons, this variant has been classified as Pathogenic.

Brotman Baty Institute, University of Washington
No classification provided (evidence only). Condition: Breast-ovarian cancer, familial 1. Review status: no classification provided. Collection method: in vitro. Allele origin: not applicable. Functional consequence: functionally_abnormal. Not counted in ClinVar's aggregate classification.
ClinVar note: "not provided" was previously submitted as the classification for the variant. However, the classification appeared to be based only on an observation of functional data so it was converted to no classification on 2025-07-30.

ClinVar Staff, National Center for Biotechnology Information (NCBI)
No classification provided. Condition: Familial cancer of breast. Review status: no classification provided. Collection method: literature only. Allele origin: germline. Affected: yes. Not counted in ClinVar's aggregate classification.

Literature cited by the submitters: PubMed 16782705 (cited by Ambry Genetics); PubMed 24845084 (cited by Ambry Genetics); PubMed 30209399 (cited by Ambry Genetics); PubMed 7894493 (cited by Labcorp Genetics (formerly Invitae), Labcorp); PubMed 20104584 (cited by Labcorp Genetics (formerly Invitae), Labcorp); PubMed 24504028 (cited by Labcorp Genetics (formerly Invitae), Labcorp); PubMed 10811118 (cited by Labcorp Genetics (formerly Invitae), Labcorp); PubMed 11739404 (cited by Labcorp Genetics (formerly Invitae), Labcorp and ClinVar Staff, National Center for Biotechnology Information (NCBI)); PubMed 12400015 (cited by Labcorp Genetics (formerly Invitae), Labcorp); PubMed 21922593 (cited by Labcorp Genetics (formerly Invitae), Labcorp); PubMed 15689452 (cited by ClinVar Staff, National Center for Biotechnology Information (NCBI)).